The following is an entry in ClinVar:

NM_000154.2(GALK1):c.130C>T (p.His44Tyr)

Gene: GALK1 (galactokinase 1; minus strand). Cytogenetic location: 17q25.1.
Variant type: single nucleotide variant.
Coding change: c.130C>T on transcript NM_000154.2 (MANE Select); coding-DNA position 130, C replaced by T.
Protein change: p.His44Tyr; replaces histidine 44 with tyrosine.
Molecular consequence: missense variant.
Genome position (GRCh38, 1-based): chr17:75,765,007, G>A on the plus strand (C>T on the coding strand, the complement: GALK1 is on the minus strand). VCF-style: chr17-75765007-G-A. GRCh37 (hg19) VCF-style: chr17-73761088-G-A.
Other names: short protein forms H44Y.
Identifiers: ClinVar variation 555981 (VCV000555981.5), dbSNP rs1555748926, ClinGen allele CA401109400.

ClinVar aggregate classification (germline): Likely pathogenic. Review status: criteria provided, multiple submitters, no conflicts (2 of 4 stars). 4 submissions from 4 submitters: Likely pathogenic (3). 1 of the submissions does not count toward it. Last evaluated 2026-03-25.

Conditions:
Deficiency of galactokinase. Also called: Galactokinase deficiency with cataracts; GALACTOSEMIA II. Identifiers: Orphanet 352, Orphanet 79237, MedGen C0268155, MONDO:0009255, OMIM 230200.

Submissions (4):

Myriad Genetics, Inc.
Classification: Likely pathogenic for Deficiency of galactokinase. Last evaluated: 2026-03-25. Review status: criteria provided, single submitter. Criteria: Myriad Autosomal Dominant, Autosomal Recessive and X-Linked Classification Criteria (2023). Collection method: clinical testing. Allele origin: unknown.
Comment: NM_000154.1(GALK1):c.130C>T(H44Y) is a missense variant classified as likely pathogenic in the context of galactokinase deficiency. H44Y has been observed in a case with relevant disease (PMID: 10790206). Relevant functional assessments of this variant are not available in the literature. H44Y has not been observed in referenced population frequency databases. In summary, NM_000154.1(GALK1):c.130C>T(H44Y) is a missense variant that has internal structural support for pathogenicity and has been observed more frequently in cases with the relevant disease than in healthy populations. Please note: this variant was assessed in the context of healthy population screening.

Natera, Inc.
Classification: Likely pathogenic for Deficiency of galactokinase. Last evaluated: 2025-04-21. Review status: criteria provided, single submitter. Criteria: Natera Variant Classification Schema (03/2026). Collection method: clinical testing. Allele origin: germline.
Comment: The c.130C>T variant in GALK1 is a missense variant predicted to cause substitution of histidine to tyrosine at amino acid 44. This variant is rare in the general population with a frequency below the threshold expected for the associated phenotype(s). This variant has been observed in one or more individuals affected with the associated recessive disease, as either homozygous or compound heterozygous with a second variant (PMID: 10790206). Functional studies show that this variant may disrupt protein function (PMID: 12694189). Computational prediction algorithms indicate this variant is likely to affect gene or protein function. Given the available evidence, this variant is classified as Likely Pathogenic.

Baylor Genetics
Classification: Likely pathogenic for Deficiency of galactokinase. Last evaluated: 2023-08-28. Review status: criteria provided, single submitter. Criteria: ACMG Guidelines, 2015. Collection method: clinical testing. Allele origin: unknown.

Counsyl
Classification: Uncertain significance for Deficiency of galactokinase. Last evaluated: 2018-01-05. Review status: no assertion criteria provided. Collection method: clinical testing. Allele origin: unknown. Not counted in ClinVar's aggregate classification.

Literature cited by the submitters: PubMed 10790206 (cited by 3 submitters); PubMed 12694189 (cited by Natera, Inc. and Counsyl); PubMed 21264483 (cited by Counsyl); PubMed 15590630 (cited by Counsyl).